The following is an entry in ClinVar:

ClinVar aggregate classification (germline): Conflicting classifications of pathogenicity. Review status: criteria provided, conflicting classifications (1 of 4 stars). 4 submissions from 4 submitters: Uncertain significance (3); Likely benign (1). Last evaluated 2026-01-28.

Conditions:
Autosomal recessive nonsyndromic hearing loss 3. Also called: NEUROSENSORY NONSYNDROMIC RECESSIVE DEAFNESS 3. Identifiers: Orphanet 90636, MedGen C1838263, MONDO:0010860, OMIM 600316.

Allele frequency attached by ClinVar (database versions not stated): gnomAD 0.00009 and 0.00011; ESP Exome Variant Server 0.00016; TOPMed 0.00020; gnomAD exomes 0.00024 and 0.00026; ExAC 0.00026.
gnomAD v4.1: 370 of 1,614,060 alleles (0.023%); highest among the groups gnomAD compares: South Asian, 0.027%; 1 homozygote.

Submissions (4):

Labcorp Genetics (formerly Invitae), Labcorp
Classification: Likely benign. Last evaluated: 2026-01-28. Review status: criteria provided, single submitter. Criteria: Invitae Variant Classification Sherloc (09022015). Collection method: clinical testing. Allele origin: germline.

GeneDx
Classification: Uncertain significance. Last evaluated: 2021-11-23. Review status: criteria provided, single submitter. Criteria: GeneDx Variant Classification Process June 2021. Collection method: clinical testing. Allele origin: germline. Affected: yes.
Comment: In silico analysis supports that this missense variant does not alter protein structure/function; Has not been previously published as pathogenic or benign to our knowledge

Illumina Laboratory Services, Illumina
Classification: Uncertain significance for Autosomal recessive nonsyndromic hearing loss 3. Last evaluated: 2018-02-16. Review status: criteria provided, single submitter. Criteria: ICSL Variant Classification Criteria 13 December 2019. Collection method: clinical testing. Allele origin: germline.

Laboratory for Molecular Medicine, Mass General Brigham Personalized Medicine
Classification: Uncertain significance. Last evaluated: 2017-01-10. Review status: criteria provided, single submitter. Criteria: LMM Criteria. Collection method: clinical testing. Allele origin: germline. Observed: 1 variant allele.
Comment: The p.Lys2843Arg variant in MYO15A has not been previously reported in individua ls with hearing loss or in large population studies, but has been identified in 29/66726 of European chromosomes by the Exome Aggregation Consortium (ExAC; dbSNP rs201542989). Although this variant has been s een in the general population, its frequency is not high enough to rule out a pa thogenic role. Computational prediction tools and conservation analysis suggest that the p.Lys2843Arg variant may impact the protein, though this information is not predictive enough to determine pathogenicity. In summary, the clinical sign ificance of the p.Lys2843Arg variant is uncertain.

NM_016239.4(MYO15A):c.8528A>G (p.Lys2843Arg)

Gene: MYO15A (myosin XVA; plus strand). Cytogenetic location: 17p11.2.
Variant type: single nucleotide variant.
Coding change: c.8528A>G on transcript NM_016239.4 (MANE Select); coding-DNA position 8528, A replaced by G.
Protein change: p.Lys2843Arg; replaces lysine 2843 with arginine.
Molecular consequence: missense variant.
Genome position (GRCh38, 1-based): chr17:18,156,263, A>G. VCF-style: chr17-18156263-A-G. GRCh37 (hg19) VCF-style: chr17-18059577-A-G.
Other names: short protein forms K2843R.
Identifiers: ClinVar variation 505402 (VCV000505402.17), dbSNP rs201542989, ClinGen allele CA8425187.